The following is an entry in ClinVar:

NM_016938.5(EFEMP2):c.862G>A (p.Glu288Lys)

Gene: EFEMP2 (EGF containing fibulin extracellular matrix protein 2; minus strand). Cytogenetic location: 11q13.1.
Variant type: single nucleotide variant.
Coding change: c.862G>A on transcript NM_016938.5 (MANE Select); coding-DNA position 862, G replaced by A.
Protein change: p.Glu288Lys; replaces glutamic acid 288 with lysine.
Molecular consequence: missense variant. On other transcripts: non-coding transcript variant (1).
Genome position (GRCh38, 1-based): chr11:65,868,407, C>T on the plus strand (G>A on the coding strand, the complement: EFEMP2 is on the minus strand). VCF-style: chr11-65868407-C-T. GRCh37 (hg19) VCF-style: chr11-65635878-C-T.
Other names: short protein forms E288K.
Identifiers: ClinVar variation 3226939 (VCV003226939.1), dbSNP rs752273286, ClinGen allele CA6110498.

ClinVar aggregate classification (germline): Uncertain significance (1 of 4 stars; one submission).

Conditions:
Cardiovascular phenotype. Identifiers: MedGen CN230736.

Allele frequency attached by ClinVar (database versions not stated): ExAC 0.00001; gnomAD exomes 0.00001.

Submission:

Ambry Genetics
Classification: Uncertain significance for Cardiovascular phenotype. Last evaluated: 2024-03-10. Review status: criteria provided, single submitter. Criteria: Ambry Variant Classification Scheme 2023. Collection method: clinical testing. Allele origin: germline.
Comment: The p.E288K variant (also known as c.862G>A), located in coding exon 8 of the EFEMP2 gene, results from a G to A substitution at nucleotide position 862. The glutamic acid at codon 288 is replaced by lysine, an amino acid with similar properties. This amino acid position is conserved. In addition, the in silico prediction for this alteration is inconclusive. Based on the available evidence, the clinical significance of this alteration remains unclear.